The following is an entry in ClinVar:

ClinVar aggregate classification (germline): Benign/Likely benign. Review status: criteria provided, multiple submitters, no conflicts (2 of 4 stars). 11 submissions from 11 submitters: Benign (4); Likely benign (6). 1 of the submissions does not count toward it. Last evaluated 2026-02-01.

Conditions:
Becker muscular dystrophy (BMD). Also called: MUSCULAR DYSTROPHY, PSEUDOHYPERTROPHIC PROGRESSIVE, BECKER TYPE; Becker Muscular Dystrophy (BMD). Identifiers: Orphanet 98895, MedGen C0917713, MONDO:0010311, OMIM 300376.
Cardiomyopathy (CMYO). Also called: Cardiomyopathies. Identifiers: Orphanet 167848, MedGen C0878544, MONDO:0004994, HP:0001638. Inheritance: Various modes of inheritance.
Dystrophin deficiency.
Duchenne muscular dystrophy (DMD). Also called: MUSCULAR DYSTROPHY, PSEUDOHYPERTROPHIC PROGRESSIVE, DUCHENNE TYPE; Duchenne Muscular Dystrophy (DMD). Identifiers: Orphanet 98896, MedGen C0013264, MONDO:0010679, OMIM 310200.
Cardiovascular phenotype. Identifiers: MedGen CN230736.
Dilated cardiomyopathy 3B (CMD3B). Also called: CMD3B: DMD-Related Dilated Cardiomyopathy; CARDIOMYOPATHY, DILATED, X-LINKED; DMD-Associated Dilated Cardiomyopathy. Identifiers: Orphanet 154, MedGen C3668940, MONDO:0010542, OMIM 302045.

Allele frequency attached by ClinVar (database versions not stated): gnomAD exomes 0.00006 and 0.00016; ExAC 0.00014; 1000 Genomes Project 30x 0.00042; 1000 Genomes Project 0.00053; gnomAD 0.00055 and 0.00062; ESP Exome Variant Server 0.00066; TOPMed 0.00082.
gnomAD v4.1: 128 of 1,209,847 alleles (0.011%); highest among the groups gnomAD compares: African/African-American, 0.17%; no homozygotes.

Submissions (11):

CeGaT Center for Human Genetics Tuebingen
Classification: Likely benign. Last evaluated: 2026-02-01. Review status: criteria provided, single submitter. Criteria: CeGaT Center For Human Genetics Tuebingen Variant Classification Criteria Version 2. Collection method: clinical testing. Allele origin: germline. Affected: yes. Observed: 1 variant allele.
Comment: DMD: BP4, BS2

Labcorp Genetics (formerly Invitae), Labcorp
Classification: Benign for Duchenne muscular dystrophy. Last evaluated: 2026-01-17. Review status: criteria provided, single submitter. Criteria: Invitae Variant Classification Sherloc (09022015). Collection method: clinical testing. Allele origin: germline.

Mayo Clinic Laboratories, Mayo Clinic
Classification: Likely benign. Last evaluated: 2025-04-07. Review status: criteria provided, single submitter. Criteria: ACMG Guidelines, 2015. Collection method: clinical testing. Allele origin: germline. Observed: 3 variant alleles.
Comment: BS1, BP4_moderate

Women's Health and Genetics/Laboratory Corporation of America, LabCorp
Classification: Likely benign. Last evaluated: 2024-12-20. Review status: criteria provided, single submitter. Criteria: LabCorp Variant Classification Summary - May 2015. Collection method: clinical testing. Allele origin: germline.

Fulgent Genetics
Classification: Likely benign for Becker muscular dystrophy; Dilated cardiomyopathy 3B; Duchenne muscular dystrophy. Last evaluated: 2021-09-21. Review status: criteria provided, single submitter. Criteria: ACMG Guidelines, 2015. Collection method: clinical testing. Allele origin: unknown.

GeneDx
Classification: Benign. Last evaluated: 2019-07-08. Review status: criteria provided, single submitter. Criteria: GeneDx Variant Classification Process June 2021. Collection method: clinical testing. Allele origin: germline. Affected: yes.

Athena Diagnostics
Classification: Benign. Last evaluated: 2018-02-06. Review status: criteria provided, single submitter. Criteria: Athena Diagnostics Criteria. Collection method: clinical testing. Allele origin: germline.

Ambry Genetics
Classification: Benign for Cardiovascular phenotype. Last evaluated: 2017-12-06. Review status: criteria provided, single submitter. Criteria: Ambry Variant Classification Scheme 2023. Collection method: clinical testing. Allele origin: germline.

Eurofins Ntd Llc (ga)
Classification: Likely benign. Last evaluated: 2016-10-18. Review status: criteria provided, single submitter. Criteria: EGL Classification Definitions 2015. Collection method: clinical testing. Allele origin: germline. Observed: 3 variant alleles, 3 heterozygotes.

Molecular Diagnostic Laboratory for Inherited Cardiovascular Disease, Montreal Heart Institute
Classification: Likely benign. Review status: criteria provided, single submitter. Criteria: ACMG Guidelines, 2015. Collection method: clinical testing. Allele origin: germline. Affected: yes.

Natera, Inc.
Classification: Likely benign for Becker muscular dystrophy; Cardiomyopathy; Duchenne muscular dystrophy; Dystrophin deficiency. Last evaluated: 2020-04-11. Review status: no assertion criteria provided. Collection method: clinical testing. Allele origin: germline. Not counted in ClinVar's aggregate classification.

Literature cited by the submitters: PubMed 12467752 (cited by Athena Diagnostics).

NM_004006.3(DMD):c.1028G>A (p.Arg343His)

Gene: DMD (dystrophin; minus strand). Cytogenetic location: Xp21.1.
Variant type: single nucleotide variant.
Coding change: c.1028G>A on transcript NM_004006.3 (MANE Select); coding-DNA position 1028, G replaced by A.
Protein change: p.Arg343His; replaces arginine 343 with histidine.
Molecular consequence: missense variant.
Genome position (GRCh38, 1-based): chrX:32,645,085, C>T on the plus strand (G>A on the coding strand, the complement: DMD is on the minus strand). VCF-style: chrX-32645085-C-T. GRCh37 (hg19) VCF-style: chrX-32663202-C-T.
Other names: p.R343H:CGT>CAT; p.Arg343His; c.1004G>A, p.Arg335His (NM_000109.4); c.1016G>A, p.Arg339His (NM_004009.3); c.659G>A, p.Arg220His (NM_004010.3); short protein forms R343H, R220H, R335H, R339H.
Identifiers: ClinVar variation 201728 (VCV000201728.31), dbSNP rs61733589, ClinGen allele CA308334.